The following is an entry in ClinVar:

NM_032737.4(LMNB2):c.982-5C>T

Gene: LMNB2 (lamin B2; minus strand). Cytogenetic location: 19p13.3.
Variant type: single nucleotide variant.
Coding change: c.982-5C>T on transcript NM_032737.4 (MANE Select); 5 bases into the intron before coding-DNA position 982, C replaced by T.
Molecular consequence: intron variant.
Genome position (GRCh38, 1-based): chr19:2,434,520, G>A on the plus strand (C>T on the coding strand, the complement: LMNB2 is on the minus strand). VCF-style: chr19-2434520-G-A. GRCh37 (hg19) VCF-style: chr19-2434518-G-A.
Identifiers: ClinVar variation 730751 (VCV000730751.10), dbSNP rs759160292, ClinGen allele CA9067632.
Genomic context (GRCh38, chr19:2,434,520, plus strand): 5'-CGCTCCCCGGCCATGGCCTCCTCCAGCTCCCGAATGCGATCTTCAGCGGCACTGGCCTGC[G>A]GAGGGGGCGGGTGGCGAAGGTCAGGGCAGCCCATGGGTCACAAGGCCCAGGTGATCCTGG-3'

ClinVar aggregate classification (germline): Likely benign. Review status: criteria provided, multiple submitters, no conflicts (2 of 4 stars). 2 submissions from 2 submitters: Likely benign (2). Last evaluated 2025-10-26.

Conditions:
Progressive myoclonic epilepsy type 9. Identifiers: Orphanet 457265, MedGen C4225289, MONDO:0014685, OMIM 616540.
Lipodystrophy, partial, acquired, susceptibility to (APLD). Also called: APLD, SUSCEPTIBILITY TO. Identifiers: MedGen C3887501, MONDO:0100476, OMIM 608709.

Allele frequency attached by ClinVar (database versions not stated): gnomAD exomes 0.00007 and 0.00001; ExAC 0.00002; gnomAD 0.00003 and 0.00002; TOPMed 0.00002.
gnomAD v4.1: 107 of 1,611,074 alleles (0.0066%); highest among the groups gnomAD compares: Non-Finnish European, 0.0079%; no homozygotes.

Submissions (2):

Labcorp Genetics (formerly Invitae), Labcorp
Classification: Likely benign for Progressive myoclonic epilepsy type 9; Lipodystrophy, partial, acquired, susceptibility to. Last evaluated: 2025-10-26. Review status: criteria provided, single submitter. Criteria: Invitae Variant Classification Sherloc (09022015). Collection method: clinical testing. Allele origin: germline.

Athena Diagnostics
Classification: Likely benign. Last evaluated: 2025-03-27. Review status: criteria provided, single submitter. Criteria: Athena Diagnostics Criteria. Collection method: clinical testing. Allele origin: unknown.
Comment: Computational tools yielded predictions that this variant is unlikely to have an effect on normal RNA splicing. This nucleotide position exhibits low evolutionary conservation.